The following is an entry in ClinVar:

ClinVar aggregate classification (germline): Uncertain significance. Review status: criteria provided, multiple submitters, no conflicts (2 of 4 stars). 2 submissions from 2 submitters: Uncertain significance (2). Last evaluated 2023-10-23.

Conditions:
Hereditary cancer-predisposing syndrome. Also called: Tumor predisposition; Hereditary neoplastic syndrome; Neoplastic Syndromes, Hereditary; Hereditary Cancer Syndrome. Identifiers: Orphanet 140162, MedGen C0027672, MeSH D009386, MONDO:0015356.

gnomAD v4.1: 1 of 1,614,164 alleles (0.000062%); highest among the groups gnomAD compares: Non-Finnish European, 0.000085%; no homozygotes.

Submissions (2):

Labcorp Genetics (formerly Invitae), Labcorp
Classification: Uncertain significance. Last evaluated: 2023-10-23. Review status: criteria provided, single submitter. Criteria: Invitae Variant Classification Sherloc (09022015). Collection method: clinical testing. Allele origin: germline.
Comment: This sequence change replaces tyrosine, which is neutral and polar, with asparagine, which is neutral and polar, at codon 105 of the POLE protein (p.Tyr105Asn). This variant is not present in population databases (gnomAD no frequency). This missense change has been observed in individual(s) with breast cancer (PMID: 34326862). ClinVar contains an entry for this variant (Variation ID: 844587). Advanced modeling of protein sequence and biophysical properties (such as structural, functional, and spatial information, amino acid conservation, physicochemical variation, residue mobility, and thermodynamic stability) performed at Invitae indicates that this missense variant is expected to disrupt POLE protein function with a positive predictive value of 80%. In summary, the available evidence is currently insufficient to determine the role of this variant in disease. Therefore, it has been classified as a Variant of Uncertain Significance.

Ambry Genetics
Classification: Uncertain significance for Hereditary cancer-predisposing syndrome. Last evaluated: 2021-08-22. Review status: criteria provided, single submitter. Criteria: Ambry Variant Classification Scheme 2023. Collection method: clinical testing. Allele origin: germline.
Comment: The p.Y105N variant (also known as c.313T>A), located in coding exon 4 of the POLE gene, results from a T to A substitution at nucleotide position 313. The tyrosine at codon 105 is replaced by asparagine, an amino acid with dissimilar properties. This amino acid position is conserved. In addition, this alteration is predicted to be deleterious by in silico analysis. Since supporting evidence is limited at this time, the clinical significance of this alteration remains unclear.

Literature cited by the submitters: PubMed 34326862 (cited by Labcorp Genetics (formerly Invitae), Labcorp).

NM_006231.4(POLE):c.313T>A (p.Tyr105Asn)

Gene: POLE (DNA polymerase epsilon, catalytic subunit; minus strand). Cytogenetic location: 12q24.33.
Variant type: single nucleotide variant.
Coding change: c.313T>A on transcript NM_006231.4 (MANE Select); coding-DNA position 313, T replaced by A.
Protein change: p.Tyr105Asn; replaces tyrosine 105 with asparagine.
Molecular consequence: missense variant.
Genome position (GRCh38, 1-based): chr12:132,680,195, A>T on the plus strand (T>A on the coding strand, the complement: POLE is on the minus strand). VCF-style: chr12-132680195-A-T. GRCh37 (hg19) VCF-style: chr12-133256781-A-T.
Other names: short protein forms Y105N.
Identifiers: ClinVar variation 844587 (VCV000844587.12), dbSNP rs2043138065, ClinGen allele CA387368675.